The following is an entry in ClinVar:

NM_025257.3(SLC44A4):c.1831+7G>A

Gene: SLC44A4 (solute carrier family 44 member 4; minus strand). Cytogenetic location: 6p21.33.
Variant type: single nucleotide variant.
Coding change: c.1831+7G>A on transcript NM_025257.3 (MANE Select); 7 bases into the intron after coding-DNA position 1831, G replaced by A.
Molecular consequence: intron variant.
Genome position (GRCh38, 1-based): chr6:31,865,003, C>T on the plus strand (G>A on the coding strand, the complement: SLC44A4 is on the minus strand). VCF-style: chr6-31865003-C-T. GRCh37 (hg19) VCF-style: chr6-31832780-C-T.
Other names: c.1705+7G>A (NM_001178044.2); c.1603+7G>A (NM_001178045.2).
Identifiers: ClinVar variation 4710347 (VCV004710347.2).

ClinVar aggregate classification (germline): Likely benign. Review status: criteria provided, multiple submitters, no conflicts (2 of 4 stars). 2 submissions from 2 submitters: Likely benign (2). Last evaluated 2026-06-18.

gnomAD v4.1: 16 of 1,613,882 alleles (0.00099%); highest among the groups gnomAD compares: African/African-American, 0.011%; no homozygotes.

Submissions (2):

Women's Health and Genetics/Laboratory Corporation of America, LabCorp
Classification: Likely benign. Last evaluated: 2026-06-18. Review status: criteria provided, single submitter. Criteria: LabCorp Variant Classification Summary - May 2015. Collection method: clinical testing. Allele origin: germline.
Comment: Variant summary: SLC44A4 c.1831+7G>A alters a nucleotide located at a position not widely known to affect splicing. Consensus agreement among computation tools predict no significant impact on normal splicing. However, these predictions have yet to be confirmed by functional studies. The variant allele was found at a frequency of 1.6e-05 in 250282 control chromosomes. The available data on variant occurrences in the general population are insufficient to allow any conclusion about variant significance. To our knowledge, no occurrence of c.1831+7G>A in individuals affected with SLC44A4-related conditions and no experimental evidence demonstrating its impact on protein function have been reported. ClinVar contains an entry for this variant (Variation ID: 4710347). Based on the evidence outlined above, the variant was classified as likely benign.

Labcorp Genetics (formerly Invitae), Labcorp
Classification: Likely benign. Last evaluated: 2025-08-25. Review status: criteria provided, single submitter. Criteria: Invitae Variant Classification Sherloc (09022015). Collection method: clinical testing. Allele origin: germline.